The following is an entry in ClinVar:

NM_003403.5(YY1):c.742C>T (p.Pro248Ser)

Gene: YY1 (YY1 transcription factor; plus strand). Cytogenetic location: 14q32.2.
Variant type: single nucleotide variant.
Coding change: c.742C>T on transcript NM_003403.5 (MANE Select); coding-DNA position 742, C replaced by T.
Protein change: p.Pro248Ser; replaces proline 248 with serine.
Molecular consequence: missense variant.
Genome position (GRCh38, 1-based): chr14:100,262,366, C>T. VCF-style: chr14-100262366-C-T. GRCh37 (hg19) VCF-style: chr14-100728703-C-T.
Other names: short protein forms P248S.
Identifiers: ClinVar variation 1309573 (VCV001309573.3), dbSNP rs2139589755, ClinGen allele CA390967233.

ClinVar aggregate classification (germline): Uncertain significance (1 of 4 stars; one submission).

Submission:

GeneDx
Classification: Uncertain significance. Last evaluated: 2023-07-14. Review status: criteria provided, single submitter. Criteria: GeneDx Variant Classification Process June 2021. Collection method: clinical testing. Allele origin: germline. Affected: yes.
Comment: Not observed at significant frequency in large population cohorts (gnomAD); In silico analysis supports that this missense variant has a deleterious effect on protein structure/function; Has not been previously published as pathogenic or benign to our knowledge